The following is an entry in ClinVar:

NM_021008.4(DEAF1):c.329C>T (p.Ala110Val)

Gene: DEAF1 (DEAF1 transcription factor; minus strand). Cytogenetic location: 11p15.5.
Variant type: single nucleotide variant.
Coding change: c.329C>T on transcript NM_021008.4 (MANE Select); coding-DNA position 329, C replaced by T.
Protein change: p.Ala110Val; replaces alanine 110 with valine.
Molecular consequence: missense variant. On other transcripts: 5 prime UTR variant (4).
Genome position (GRCh38, 1-based): chr11:691,559, G>A on the plus strand (C>T on the coding strand, the complement: DEAF1 is on the minus strand). VCF-style: chr11-691559-G-A. GRCh37 (hg19) VCF-style: chr11-691559-G-A.
Other names: c.329C>T, p.Ala110Val (NM_001293634.2, NM_001440883.1, NM_001440884.1); c.-398C>T (NM_001367390.1, NM_001440886.1, NM_001440887.1); c.-268C>T (NM_001440885.1); short protein forms A110V.
Identifiers: ClinVar variation 4746228 (VCV004746228.1).
Genomic context (GRCh38, chr11:691,559, plus strand): 5'-ACCAGAACATGTCCTGAGATGGATGCCGCGTTCGCCACAGACGTGGTGAAGACATTGTCT[G>A]CAGCAGCCCCCACGTTGGCCACTGTCACTGTGGTCACCTCTGCAACAGAAGGAGCCTCAT-3'
Protein context (NP_066288.2, residues 100-120): TVTVANVGAA[Ala110Val]DNVFTTSVAN

ClinVar aggregate classification (germline): Uncertain significance (1 of 4 stars; one submission).

gnomAD v4.1: 1 of 1,613,794 alleles (0.000062%); highest among the groups gnomAD compares: Non-Finnish European, 0.000085%; no homozygotes.

Submission:

Labcorp Genetics (formerly Invitae), Labcorp
Classification: Uncertain significance. Last evaluated: 2025-07-21. Review status: criteria provided, single submitter. Criteria: Invitae Variant Classification Sherloc (09022015). Collection method: clinical testing. Allele origin: germline.
Comment: This sequence change replaces alanine, which is neutral and non-polar, with valine, which is neutral and non-polar, at codon 110 of the DEAF1 protein (p.Ala110Val). This variant is not present in population databases (gnomAD no frequency). This variant has not been reported in the literature in individuals affected with DEAF1-related conditions. Invitae Evidence Modeling of protein sequence and biophysical properties (such as structural, functional, and spatial information, amino acid conservation, physicochemical variation, residue mobility, and thermodynamic stability) indicates that this missense variant is not expected to disrupt DEAF1 protein function with a negative predictive value of 80%. In summary, the available evidence is currently insufficient to determine the role of this variant in disease. Therefore, it has been classified as a Variant of Uncertain Significance.